The following is an entry in ClinVar:

NM_007294.4(BRCA1):c.4052T>C (p.Leu1351Ser)

Genes: BRCA1 (BRCA1 DNA repair associated; minus strand), LOC126862571 (BRD4-independent group 4 enhancer GRCh37_chr17:41243136-41244335; plus strand). Cytogenetic location: 17q21.31.
Variant type: single nucleotide variant.
Coding change: c.4052T>C on transcript NM_007294.4 (MANE Select); coding-DNA position 4052, T replaced by C.
Protein change: p.Leu1351Ser; replaces leucine 1351 with serine.
Molecular consequence: missense variant. On other transcripts: intron variant (135).
Genome position (GRCh38, 1-based): chr17:43,091,479, A>G on the plus strand (T>C on the coding strand, the complement: BRCA1 is on the minus strand). VCF-style: chr17-43091479-A-G. GRCh37 (hg19) VCF-style: chr17-41243496-A-G.
Other names: c.4052T>C, p.Leu1351Ser (NM_001407602.1, NM_001407603.1, NM_001407605.1 and 30 more transcripts); c.4049T>C, p.Leu1350Ser (NM_001407610.1, NM_001407611.1, NM_001407612.1 and 22 more transcripts); c.3839T>C, p.Leu1280Ser (NM_001407571.1, NM_001407915.1, NM_001407916.1 and 9 more transcripts); c.3842T>C, p.Leu1281Ser (NM_001407908.1, NM_001407909.1, NM_001407910.1 and 13 more transcripts); c.3929T>C, p.Leu1310Ser (NM_001407919.1, NM_001407648.1, NM_001407664.1 and 19 more transcripts); c.3788T>C, p.Leu1263Ser (NM_001407920.1, NM_001407921.1, NM_001407922.1 and 9 more transcripts); c.4043T>C, p.Leu1348Ser (NM_001407646.1, NM_001407647.1); c.3926T>C, p.Leu1309Ser (NM_001407649.1, NM_001407670.1, NM_001407671.1 and 11 more transcripts); and 41 more; short protein forms L1055S, L1183S, L1223S, L1224S, L1239S, L1240S, L1262S, L1263S.
Identifiers: ClinVar variation 4856520 (VCV004856520.1).

ClinVar aggregate classification (germline): Likely benign (1 of 4 stars; one submission).

Conditions:
Breast-ovarian cancer, familial, susceptibility to, 1 (BROVCA1). Also called: OVARIAN CANCER, SUSCEPTIBILITY TO; BRCA1 Hereditary Breast and Ovarian Cancer. Identifiers: Orphanet 145, MedGen C2676676, MONDO:0011450, OMIM 604370. Disease mechanism: loss of function.

gnomAD v4.1: 1 of 1,613,518 alleles (0.000062%); highest among the groups gnomAD compares: South Asian, 0.0011%; no homozygotes.

Submission:

Cancer Bioinformatics and Tumour Evolution Laboratory, Monash University
Classification: Likely benign for Breast-ovarian cancer, familial, susceptibility to, 1. Last evaluated: 2026-05-01. Review status: criteria provided, single submitter. Criteria: ClinGen BRCA1 and BRCA2 Guidelines, 2024. Collection method: curation. Allele origin: germline. Inheritance: Autosomal dominant inheritance.
Comment: Missense variant outside of a functional domain with no splice impact. BRCA1 and BRCA2 VCEP guidelines recommend application of BP1_Strong (PMID: 39142283)